The following is an entry in ClinVar:

ClinVar aggregate classification (germline): Likely benign (1 of 4 stars; one submission).

Submission:

CeGaT Center for Human Genetics Tuebingen
Classification: Likely benign. Last evaluated: 2024-11-01. Review status: criteria provided, single submitter. Criteria: CeGaT Center For Human Genetics Tuebingen Variant Classification Criteria Version 2. Collection method: clinical testing. Allele origin: germline. Affected: yes. Observed: 1 variant allele.
Comment: TBC1D7: PM2:Supporting, BP4, BP7

NM_016495.6(TBC1D7):c.117T>C (p.Thr39=)

Genes: TBC1D7 (TBC1 domain family member 7; minus strand), TBC1D7-LOC100130357 (TBC1D7-LOC100130357 readthrough; minus strand). Cytogenetic location: 6p24.1.
Variant type: single nucleotide variant.
Coding change: c.117T>C on transcript NM_016495.6 (MANE Select); coding-DNA position 117, T replaced by C.
Protein change: p.Thr39=; no amino-acid change (threonine 39 retained).
Molecular consequence: synonymous variant. On other transcripts: non-coding transcript variant (1), intron variant (2).
Genome position (GRCh38, 1-based): chr6:13,325,170, A>G on the plus strand (T>C on the coding strand, the complement: TBC1D7 is on the minus strand). VCF-style: chr6-13325170-A-G. GRCh37 (hg19) VCF-style: chr6-13325402-A-G.
Other names: c.117T>C, p.Thr39= (NM_001318809.2, NM_001143964.4, NM_001143965.4 and 2 more transcripts); c.112+1617T>C (NM_001143966.4, NM_001318806.2).
Identifiers: ClinVar variation 3390143 (VCV003390143.14).
Genomic context (GRCh38, chr6:13,325,170, plus strand): 5'-TACCAATGCACGGTACATGGACGGGAGAGGGAACCTCTGACTAAAAGTACAAAGTTTCTC[A>G]GTATCTAGAGGAAGAAGAAAACAATTGTTAGAAGCTTTTCATGCTGATCACAGTATGTCA-3'
Protein context (NP_057579.1, residues 29-49): EILLKDDRLD[Thr39=]EKLCTFSQRF